The following is an entry in ClinVar:

ClinVar aggregate classification (germline): Uncertain significance. Review status: criteria provided, multiple submitters, no conflicts (2 of 4 stars). 3 submissions from 3 submitters: Uncertain significance (3). Last evaluated 2026-01-13.

Conditions:
TTN-related disorder. Also called: TTN-related condition; TTN-related disease; TTN-related disorders.

Allele frequency attached by ClinVar (database versions not stated): ExAC 0.00002; gnomAD exomes 0.00002; TOPMed 0.00003; gnomAD 0.00004.
gnomAD v4.1: 34 of 1,612,698 alleles (0.0021%); highest among the groups gnomAD compares: Non-Finnish European, 0.0026%; no homozygotes.

Submissions (3):

PreventionGenetics, part of Exact Sciences
Classification: Uncertain significance for TTN-related condition. Last evaluated: 2026-01-13. Review status: criteria provided, single submitter. Criteria: ACMG Guidelines, 2015. Collection method: clinical testing. Allele origin: germline.
Comment: The TTN c.50983G>A variant is predicted to result in the amino acid substitution p.Val16995Ile. To our knowledge, this variant has not been reported in the literature. This variant is reported in 0.0036% of alleles in individuals of European (Non-Finnish) descent in gnomAD. At this time, the clinical significance of this variant is uncertain due to the absence of conclusive functional and genetic evidence.

Revvity Omics, Revvity
Classification: Uncertain significance. Last evaluated: 2025-05-08. Review status: criteria provided, single submitter. Criteria: ACMG Guidelines, 2015. Collection method: clinical testing. Allele origin: germline.

Eurofins Ntd Llc (ga)
Classification: Uncertain significance. Last evaluated: 2015-09-10. Review status: criteria provided, single submitter. Criteria: EGL Classification Definitions 2015. Collection method: clinical testing. Allele origin: germline. Observed: 1 variant allele, 1 heterozygote.

NM_001267550.2(TTN):c.50983G>A (p.Val16995Ile)

Genes: TTN-AS1 (TTN antisense RNA 1; plus strand), TTN (titin; minus strand). Cytogenetic location: 2q31.2.
Variant type: single nucleotide variant.
Coding change: c.50983G>A on transcript NM_001267550.2 (MANE Select); coding-DNA position 50983, G replaced by A.
Protein change: p.Val16995Ile; replaces valine 16995 with isoleucine.
Molecular consequence: missense variant.
Genome position (GRCh38, 1-based): chr2:178,611,146, C>T on the plus strand (G>A on the coding strand, the complement: TTN is on the minus strand). VCF-style: chr2-178611146-C-T. GRCh37 (hg19) VCF-style: chr2-179475873-C-T.
Other names: c.46060G>A, p.Val15354Ile (NM_001256850.1); c.23788G>A, p.Val7930Ile (NM_003319.4); c.43279G>A, p.Val14427Ile (NM_133378.4); c.24163G>A, p.Val8055Ile (NM_133432.3); c.24364G>A, p.Val8122Ile (NM_133437.4); short protein forms V14427I, V16995I, V8122I, V8055I, V15354I, V7930I.
Identifiers: ClinVar variation 283282 (VCV000283282.9), dbSNP rs187763563, ClinGen allele CA1994271.